The following is an entry in ClinVar:

NM_152424.4(AMER1):c.808G>A (p.Val270Met)

Gene: AMER1 (APC membrane recruitment protein 1; minus strand). Cytogenetic location: Xq11.2.
Variant type: single nucleotide variant.
Coding change: c.808G>A on transcript NM_152424.4 (MANE Select); coding-DNA position 808, G replaced by A.
Protein change: p.Val270Met; replaces valine 270 with methionine.
Molecular consequence: missense variant.
Genome position (GRCh38, 1-based): chrX:64,192,479, C>T on the plus strand (G>A on the coding strand, the complement: AMER1 is on the minus strand). VCF-style: chrX-64192479-C-T. GRCh37 (hg19) VCF-style: chrX-63412359-C-T.
Other names: short protein forms V270M.
Identifiers: ClinVar variation 3685645 (VCV003685645.2).
Genomic context (GRCh38, chrX:64,192,479, plus strand): 5'-CTGTTTCTGGGCTATGGGGCTCCTCTAGGCTACTGGCTTCAGGGGCAGGCTTGGGTTGCA[C>T]ATGTGCTGAGGCACAGGCCTCCATGGGTTTTTCTGGATCTTTACAGGCCATTTTCTCAGT-3'
Protein context (NP_689637.3, residues 260-280): KPMEACASAH[Val270Met]QPKPAPEASS

ClinVar aggregate classification (germline): Uncertain significance (1 of 4 stars; one submission).

gnomAD v4.1: 1 of 1,203,275 alleles (0.000083%); highest among the groups gnomAD compares: Non-Finnish European, 0.00011%; no homozygotes.

Submission:

Labcorp Genetics (formerly Invitae), Labcorp
Classification: Uncertain significance. Last evaluated: 2025-06-12. Review status: criteria provided, single submitter. Criteria: Invitae Variant Classification Sherloc (09022015). Collection method: clinical testing. Allele origin: germline.
Comment: This sequence change replaces valine, which is neutral and non-polar, with methionine, which is neutral and non-polar, at codon 270 of the AMER1 protein (p.Val270Met). This variant is present in population databases (rs757166034, gnomAD 0.001%). This variant has not been reported in the literature in individuals affected with AMER1-related conditions. ClinVar contains an entry for this variant (Variation ID: 3685645). An algorithm developed to predict the effect of missense changes on protein structure and function outputs the following: PolyPhen-2: "Benign". The methionine amino acid residue is found in multiple mammalian species, which suggests that this missense change does not adversely affect protein function. In summary, the available evidence is currently insufficient to determine the role of this variant in disease. Therefore, it has been classified as a Variant of Uncertain Significance.